The following is an entry in ClinVar:

ClinVar aggregate classification (germline): Uncertain significance (1 of 4 stars; one submission).

Conditions:
Hereditary cancer-predisposing syndrome. Also called: Tumor predisposition; Hereditary Cancer Syndrome; Neoplastic Syndromes, Hereditary; Hereditary neoplastic syndrome. Identifiers: Orphanet 140162, MedGen C0027672, MeSH D009386, MONDO:0015356.

Submission:

Ambry Genetics
Classification: Uncertain significance for Hereditary cancer-predisposing syndrome. Last evaluated: 2024-09-15. Review status: criteria provided, single submitter. Criteria: Ambry Variant Classification Scheme 2023. Collection method: clinical testing. Allele origin: germline.
Comment: The p.Y2144F variant (also known as c.6431A>T), located in coding exon 43 of the ATM gene, results from an A to T substitution at nucleotide position 6431. The tyrosine at codon 2144 is replaced by phenylalanine, an amino acid with highly similar properties. This amino acid position is conserved. In addition, this alteration is predicted to be tolerated by in silico analysis. Based on the available evidence, the clinical significance of this variant remains unclear.

NM_000051.4(ATM):c.6431A>T (p.Tyr2144Phe)

Genes: ATM (ATM serine/threonine kinase; plus strand), C11orf65 (chromosome 11 open reading frame 65; minus strand). Cytogenetic location: 11q22.3.
Variant type: single nucleotide variant.
Coding change: c.6431A>T on transcript NM_000051.4 (MANE Select); coding-DNA position 6431, A replaced by T.
Protein change: p.Tyr2144Phe; replaces tyrosine 2144 with phenylalanine.
Molecular consequence: missense variant. On other transcripts: intron variant (2).
Genome position (GRCh38, 1-based): chr11:108,320,037, A>T. VCF-style: chr11-108320037-A-T. GRCh37 (hg19) VCF-style: chr11-108190764-A-T.
Other names: c.6431A>T, p.Tyr2144Phe (NM_001351834.2); c.641-10966T>A (NM_001330368.2); c.*39-10966T>A (NM_001351110.2); short protein forms Y2144F.
Identifiers: ClinVar variation 3451305 (VCV003451305.1).